The following is an entry in ClinVar:

ClinVar aggregate classification (germline): Uncertain significance (1 of 4 stars; one submission).

Conditions:
Classic or attenuated familial adenomatous polyposis. Identifiers: MedGen CN372698, MONDO:0021057.

Submission:

All of Us Research Program, National Institutes of Health
Classification: Uncertain significance for Classic or attenuated familial adenomatous polyposis. Last evaluated: 2023-02-15. Review status: criteria provided, single submitter. Criteria: ACMG Guidelines, 2015. Collection method: clinical testing. Allele origin: germline. Inheritance: Autosomal dominant inheritance. Observed: 1 variant allele, 1 heterozygote.
Comment: This variant is an in-frame deletion of serine at amino acid residue 89 in exon 4 of the APC protein. Splice site prediction tools suggest that this variant may impact RNA splicing. To our knowledge, functional studies have not been reported for this variant. This variant has not been reported in individuals affected with hereditary cancer in the literature. This variant has not been identified in the general population by the Genome Aggregation Database (gnomAD). The available evidence is insufficient to determine the role of this variant in disease conclusively. Therefore, this variant is classified as a Variant of Uncertain Significance.

This study involves interpretation of variants in research participants for the purpose of population health screening. Participant phenotype was not available at the time of variant classification. Additional details can be found in publication PMID: 35346344, PMCID: PMC8962531

NM_000038.6(APC):c.294_296del (p.Ser98del)

Gene: APC (APC regulator of WNT signaling pathway; plus strand). Cytogenetic location: 5q22.2.
Variant type: Deletion.
Coding change: c.294_296del on transcript NM_000038.6 (MANE Select); coding-DNA positions 294 to 296, 3 bases deleted (CCG; older notation c.294_296delCCG).
Protein change: p.Ser98del; deletes serine 98.
Molecular consequence: inframe deletion. On other transcripts: 5 prime UTR variant (4), non-coding transcript variant (2).
Genome position (GRCh38, 1-based): chr5:112,767,262-112,767,264, CCG deleted; deleting any 3 consecutive bases within chr5:112,767,261-112,767,264 gives the same sequence; the c. name uses the placement nearest the transcript's 3' end. VCF-style (leftmost placement, unchanged base first): chr5-112767260-AGCC-A. GRCh37 (hg19) VCF-style: chr5-112102957-AGCC-A.
Other names: c.294_296del, p.Ser98del (NM_001127510.3, NM_001354895.2, NM_001354896.2 and 16 more transcripts); c.324_326del, p.Ser108del (NM_001127511.3, NM_001354897.2, NM_001354902.2 and 1 more transcripts); c.219_221del, p.Ser73del (NM_001354898.2, NM_001354904.2, NM_001407451.1); c.117_119del, p.Ser39del (NM_001354900.2, NM_001354901.2, NM_001354905.2 and 1 more transcripts); c.-742_-740del (NM_001354906.2, NM_001407470.1, NM_001407471.1 and 1 more transcripts); short protein forms S108del, S39del, S73del, S98del.
Identifiers: ClinVar variation 3069431 (VCV003069431.1), dbSNP rs2532294333, ClinGen allele CA2825001326.